The following is an entry in ClinVar:

ClinVar aggregate classification (germline): Uncertain significance (1 of 4 stars; one submission).

Conditions:
Imerslund-Grasbeck syndrome. Also called: PERNICIOUS ANEMIA, JUVENILE, DUE TO SELECTIVE INTESTINAL MALABSORPTION OF VITAMIN B12, WITH PROTEINURIA; Megaloblastic anemia due to inborn errors of metabolism; ENTEROCYTE COBALAMIN MALABSORPTION; ENTEROCYTE INTRINSIC FACTOR RECEPTOR, DEFECT OF; Imerslund-Gräsbeck syndrome. Identifiers: Orphanet 35858, MedGen C4551825, MONDO:0009853.

gnomAD v4.1: 3 of 1,608,244 alleles (0.00019%); highest among the groups gnomAD compares: Admixed American, 0.005%; no homozygotes.

Submission:

Labcorp Genetics (formerly Invitae), Labcorp
Classification: Uncertain significance for Imerslund-Grasbeck syndrome. Last evaluated: 2025-09-23. Review status: criteria provided, single submitter. Criteria: Invitae Variant Classification Sherloc (09022015). Collection method: clinical testing. Allele origin: germline.
Comment: This sequence change replaces glutamic acid, which is acidic and polar, with aspartic acid, which is acidic and polar, at codon 649 of the CUBN protein (p.Glu649Asp). This variant also falls at the last nucleotide of exon 15, which is part of the consensus splice site for this exon. This variant is present in population databases (rs193027863, gnomAD 0.003%). This variant has not been reported in the literature in individuals affected with CUBN-related conditions. An algorithm developed to predict the effect of missense changes on protein structure and function (PolyPhen-2) suggests that this variant is likely to be disruptive. Variants that disrupt the consensus splice site are a relatively common cause of aberrant splicing (PMID: 17576681, 9536098). Algorithms developed to predict the effect of sequence changes on RNA splicing suggest that this variant may disrupt the consensus splice site. In summary, the available evidence is currently insufficient to determine the role of this variant in disease. Therefore, it has been classified as a Variant of Uncertain Significance.

Literature cited by the submitters: PubMed 17576681; PubMed 9536098.

NM_001081.4(CUBN):c.1947G>T (p.Glu649Asp)

Gene: CUBN (cubilin; minus strand). Cytogenetic location: 10p13.
Variant type: single nucleotide variant.
Coding change: c.1947G>T on transcript NM_001081.4 (MANE Select); coding-DNA position 1947, G replaced by T.
Protein change: p.Glu649Asp; replaces glutamic acid 649 with aspartic acid.
Molecular consequence: missense variant.
Genome position (GRCh38, 1-based): chr10:17,088,164, C>A on the plus strand (G>T on the coding strand, the complement: CUBN is on the minus strand). VCF-style: chr10-17088164-C-A. GRCh37 (hg19) VCF-style: chr10-17130163-C-A.
Other names: short protein forms E649D.
Identifiers: ClinVar variation 4695316 (VCV004695316.1).